The following is an entry in ClinVar:

NM_018249.6(CDK5RAP2):c.5105C>T (p.Ser1702Leu)

Gene: CDK5RAP2 (CDK5 regulatory subunit associated protein 2; minus strand). Cytogenetic location: 9q33.2.
Variant type: single nucleotide variant.
Coding change: c.5105C>T on transcript NM_018249.6 (MANE Select); coding-DNA position 5105, C replaced by T.
Protein change: p.Ser1702Leu; replaces serine 1702 with leucine.
Molecular consequence: missense variant. On other transcripts: non-coding transcript variant (5).
Genome position (GRCh38, 1-based): chr9:120,403,008, G>A on the plus strand (C>T on the coding strand, the complement: CDK5RAP2 is on the minus strand). VCF-style: chr9-120403008-G-A. GRCh37 (hg19) VCF-style: chr9-123165286-G-A.
Other names: c.4868C>T, p.Ser1623Leu (NM_001011649.3); c.4415C>T, p.Ser1472Leu (NM_001272039.2); c.5105C>T (NM_018249.5); short protein forms S1702L, S1472L, S1623L.
Identifiers: ClinVar variation 418997 (VCV000418997.8), dbSNP rs777175354, ClinGen allele CA5213368.

ClinVar aggregate classification (germline): Uncertain significance. Review status: criteria provided, multiple submitters, no conflicts (2 of 4 stars). 4 submissions from 4 submitters: Uncertain significance (3). 1 of the submissions does not count toward it. Last evaluated 2025-01-08.

Conditions:
Inborn genetic diseases. Identifiers: MedGen C0950123, MeSH D030342.

Allele frequency attached by ClinVar (database versions not stated): ExAC 0.00004; gnomAD 0.00004; gnomAD exomes 0.00004 and 0.00006; TOPMed 0.00005.
gnomAD v4.1: 72 of 1,614,020 alleles (0.0045%); highest among the groups gnomAD compares: Middle Eastern, 0.016%; no homozygotes.

Submissions (4):

Ambry Genetics
Classification: Uncertain significance for Inborn genetic diseases. Last evaluated: 2025-01-08. Review status: criteria provided, single submitter. Criteria: Ambry Variant Classification Scheme 2023. Collection method: clinical testing. Allele origin: germline.

Labcorp Genetics (formerly Invitae), Labcorp
Classification: Uncertain significance. Last evaluated: 2023-04-26. Review status: criteria provided, single submitter. Criteria: Invitae Variant Classification Sherloc (09022015). Collection method: clinical testing. Allele origin: germline.
Comment: This sequence change replaces serine, which is neutral and polar, with leucine, which is neutral and non-polar, at codon 1702 of the CDK5RAP2 protein (p.Ser1702Leu). In summary, the available evidence is currently insufficient to determine the role of this variant in disease. Therefore, it has been classified as a Variant of Uncertain Significance. Algorithms developed to predict the effect of missense changes on protein structure and function output the following: SIFT: "Not Available"; PolyPhen-2: "Possibly Damaging"; Align-GVGD: "Not Available". The leucine amino acid residue is found in multiple mammalian species, which suggests that this missense change does not adversely affect protein function. ClinVar contains an entry for this variant (Variation ID: 418997). This variant has not been reported in the literature in individuals affected with CDK5RAP2-related conditions. This variant is present in population databases (rs777175354, gnomAD 0.009%).

GeneDx
Classification: Uncertain significance. Last evaluated: 2015-05-11. Review status: criteria provided, single submitter. Criteria: GeneDx Variant Classification (06012015). Collection method: clinical testing. Allele origin: germline. Affected: yes.
Comment: A variant of unknown significance has been identified in the CDK5RAP2 gene. The S1702L variant has not been published as a pathogenic variant, nor has it been reported as a benign polymorphism to our knowledge. It was not observed in approximately 6,500 individuals of European and African American ancestry in the NHLBI Exome Sequencing Project, indicating it is not a common benign variant in these populations. The S1702L variant is a non-conservative amino acid substitution, which is likely to impact secondary protein structure as these residues differ in polarity, charge, size and/or other properties. However, this substitution occurs at a position that is not conserved, and Leucine is tolerated at this position in other species. In silico analysis is inconsistent in its predictions as to whether or not the variant is damaging to the protein structure/function. Therefore, based on the currently available information, it is unclear whether this variant is a pathogenic variant or a rare benign variant.

Genetic Services Laboratory, University of Chicago
Classification: Uncertain significance. Last evaluated: 2022-07-13. Review status: no assertion criteria provided. Collection method: clinical testing. Allele origin: germline. Affected: no. Not counted in ClinVar's aggregate classification.
Comment: DNA sequence analysis of the CDK5RAP2 gene demonstrated a sequence change, c.5105C>T, in exon 34 that results in an amino acid change, p.Ser1702Leu. This sequence change does not appear to have been previously described in individuals with CDK5RAP2-related disorders. This sequence change has been described in the gnomAD database with a frequency of 0.009% in the European subpopulation (dbSNP rs777175354). The p.Ser1702Leu change affects a moderately conserved amino acid residue located in a domain of the CDK5RAP2 protein that is not known to be functional. In-silico pathogenicity prediction tools (SIFT, PolyPhen2, Align GVGD, REVEL) provide contradictory results for the p.Ser1702Leu substitution. Due to insufficient evidences and the lack of functional studies, the clinical significance of the p.Ser1702Leu change remains unknown at this time.